The following is an entry in ClinVar:

NM_000059.4(BRCA2):c.427C>A (p.Pro143Thr)

Gene: BRCA2 (BRCA2 DNA repair associated; plus strand). Cytogenetic location: 13q13.1.
Variant type: single nucleotide variant.
Coding change: c.427C>A on transcript NM_000059.4 (MANE Select); coding-DNA position 427, C replaced by A.
Protein change: p.Pro143Thr; replaces proline 143 with threonine.
Molecular consequence: missense variant.
Genome position (GRCh38, 1-based): chr13:32,326,102, C>A. VCF-style: chr13-32326102-C-A. GRCh37 (hg19) VCF-style: chr13-32900239-C-A.
Other names: c.427C>A (NM_000059.3); short protein forms P143T.
Identifiers: ClinVar variation 1400453 (VCV001400453.9), dbSNP rs2137449301, ClinGen allele CA387756956.

ClinVar aggregate classification (germline): Uncertain significance. Review status: criteria provided, multiple submitters, no conflicts (2 of 4 stars). 2 submissions from 2 submitters: Uncertain significance (2). Last evaluated 2023-11-09.

Conditions:
Hereditary breast ovarian cancer syndrome. Also called: Hereditary breast and ovarian cancer; Hereditary breast and ovarian cancer syndrome; Breast and ovarian cancer; BRCA1- and BRCA2-Associated Hereditary Breast and Ovarian Cancer; Hereditary breast and ovarian cancer syndrome (HBOC); Hereditary breast and/or ovarian cancer syndrome. Identifiers: Orphanet 145, MedGen C0677776, MeSH D061325, MONDO:0003582. Disease mechanism: loss of function.
Hereditary cancer-predisposing syndrome. Also called: Hereditary Cancer Syndrome; Hereditary neoplastic syndrome; Tumor predisposition; Neoplastic Syndromes, Hereditary. Identifiers: Orphanet 140162, MedGen C0027672, MeSH D009386, MONDO:0015356.

Allele frequency attached by ClinVar (database versions not stated): gnomAD exomes below 0.00001.
gnomAD v4.1: 1 of 1,608,272 alleles (0.000062%); highest among the groups gnomAD compares: South Asian, 0.0011%; no homozygotes.

Submissions (2):

Ambry Genetics
Classification: Uncertain significance for Hereditary cancer-predisposing syndrome. Last evaluated: 2023-11-09. Review status: criteria provided, single submitter. Criteria: Ambry Variant Classification Scheme 2023. Collection method: clinical testing. Allele origin: germline.
Comment: The p.P143T variant (also known as c.427C>A), located in coding exon 4 of the BRCA2 gene, results from a C to A substitution at nucleotide position 427. The proline at codon 143 is replaced by threonine, an amino acid with highly similar properties. This amino acid position is conserved. In addition, this alteration is predicted to be tolerated by in silico analysis. Since supporting evidence is limited at this time, the clinical significance of this alteration remains unclear.

Labcorp Genetics (formerly Invitae), Labcorp
Classification: Uncertain significance for Hereditary breast ovarian cancer syndrome. Last evaluated: 2023-07-30. Review status: criteria provided, single submitter. Criteria: Invitae Variant Classification Sherloc (09022015). Collection method: clinical testing. Allele origin: germline.
Comment: In summary, the available evidence is currently insufficient to determine the role of this variant in disease. Therefore, it has been classified as a Variant of Uncertain Significance. An algorithm developed to predict the effect of missense changes on protein structure and function (PolyPhen-2) suggests that this variant is likely to be disruptive. ClinVar contains an entry for this variant (Variation ID: 1400453). This variant has not been reported in the literature in individuals affected with BRCA2-related conditions. This variant is not present in population databases (gnomAD no frequency). This sequence change replaces proline, which is neutral and non-polar, with threonine, which is neutral and polar, at codon 143 of the BRCA2 protein (p.Pro143Thr).